The following is an entry in ClinVar:

ClinVar aggregate classification (germline): Uncertain significance (1 of 4 stars; one submission).

Allele frequency attached by ClinVar (database versions not stated): gnomAD 0.00001.

Submission:

Labcorp Genetics (formerly Invitae), Labcorp
Classification: Uncertain significance. Last evaluated: 2023-11-15. Review status: criteria provided, single submitter. Criteria: Invitae Variant Classification Sherloc (09022015). Collection method: clinical testing. Allele origin: germline.
Comment: This sequence change replaces leucine, which is neutral and non-polar, with proline, which is neutral and non-polar, at codon 1209 of the TET2 protein (p.Leu1209Pro). This variant is not present in population databases (gnomAD no frequency). This variant has not been reported in the literature in individuals affected with TET2-related conditions. An algorithm developed to predict the effect of missense changes on protein structure and function (PolyPhen-2) suggests that this variant is likely to be disruptive. In summary, the available evidence is currently insufficient to determine the role of this variant in disease. Therefore, it has been classified as a Variant of Uncertain Significance.

NM_001127208.3(TET2):c.3626T>C (p.Leu1209Pro)

Genes: TET2 (tet methylcytosine dioxygenase 2; plus strand), TET2-AS1 (TET2 antisense RNA 1; minus strand). Cytogenetic location: 4q24.
Variant type: single nucleotide variant.
Coding change: c.3626T>C on transcript NM_001127208.3 (MANE Select); coding-DNA position 3626, T replaced by C.
Protein change: p.Leu1209Pro; replaces leucine 1209 with proline.
Molecular consequence: missense variant.
Genome position (GRCh38, 1-based): chr4:105,243,601, T>C. VCF-style: chr4-105243601-T-C. GRCh37 (hg19) VCF-style: chr4-106164758-T-C.
Other names: short protein forms L1209P.
Identifiers: ClinVar variation 2797079 (VCV002797079.3), dbSNP rs1729422114, ClinGen allele CA357804914.